The following is an entry in ClinVar:

ClinVar aggregate classification (germline): Conflicting classifications of pathogenicity. Review status: criteria provided, conflicting classifications (1 of 4 stars). 2 submissions from 2 submitters: Uncertain significance (1); Likely benign (1). Last evaluated 2025-08-08.

Conditions:
Hereditary cancer-predisposing syndrome. Also called: Neoplastic Syndromes, Hereditary; Hereditary Cancer Syndrome; Tumor predisposition; Hereditary neoplastic syndrome. Identifiers: Orphanet 140162, MedGen C0027672, MeSH D009386, MONDO:0015356.
Oligodontia-cancer predisposition syndrome. Also called: TOOTH AGENESIS-COLORECTAL CANCER SYNDROME. Identifiers: Orphanet 300576, MedGen C1837750, MONDO:0012075, OMIM 608615. Disease mechanism: loss of function.

Submissions (2):

Ambry Genetics
Classification: Likely benign for Hereditary cancer-predisposing syndrome. Last evaluated: 2025-08-08. Review status: criteria provided, single submitter. Criteria: Ambry Variant Classification Scheme 2023. Collection method: clinical testing. Allele origin: germline.

Labcorp Genetics (formerly Invitae), Labcorp
Classification: Uncertain significance for Oligodontia-cancer predisposition syndrome. Last evaluated: 2025-05-16. Review status: criteria provided, single submitter. Criteria: Invitae Variant Classification Sherloc (09022015). Collection method: clinical testing. Allele origin: germline.
Comment: This sequence change replaces glycine, which is neutral and non-polar, with alanine, which is neutral and non-polar, at codon 571 of the AXIN2 protein (p.Gly571Ala). This variant also falls at the last nucleotide of exon 6, which is part of the consensus splice site for this exon. This variant is not present in population databases (gnomAD no frequency). This variant has not been reported in the literature in individuals affected with AXIN2-related conditions. ClinVar contains an entry for this variant (Variation ID: 582708). An algorithm developed to predict the effect of missense changes on protein structure and function (PolyPhen-2) suggests that this variant is likely to be tolerated. Variants that disrupt the consensus splice site are a relatively common cause of aberrant splicing (PMID: 17576681, 9536098). In summary, the available evidence is currently insufficient to determine the role of this variant in disease. Therefore, it has been classified as a Variant of Uncertain Significance.

Literature cited by the submitters: PubMed 17576681 (cited by Labcorp Genetics (formerly Invitae), Labcorp); PubMed 9536098 (cited by Labcorp Genetics (formerly Invitae), Labcorp).

NM_004655.4(AXIN2):c.1712G>C (p.Gly571Ala)

Gene: AXIN2 (axin 2; minus strand). Cytogenetic location: 17q24.1.
Variant type: single nucleotide variant.
Coding change: c.1712G>C on transcript NM_004655.4 (MANE Select); coding-DNA position 1712, G replaced by C.
Protein change: p.Gly571Ala; replaces glycine 571 with alanine.
Molecular consequence: missense variant.
Genome position (GRCh38, 1-based): chr17:65,537,324, C>G on the plus strand (G>C on the coding strand, the complement: AXIN2 is on the minus strand). VCF-style: chr17-65537324-C-G. GRCh37 (hg19) VCF-style: chr17-63533442-C-G.
Other names: c.1712G>C (LRG_296t1); c.1712G>C, p.Gly571Ala (NM_001363813.1); short protein forms G571A.
Identifiers: ClinVar variation 582708 (VCV000582708.14), dbSNP rs146744662, ClinGen allele CA400676778.